The following is an entry in ClinVar:

NM_000936.4(PNLIP):c.571+1G>T

Gene: PNLIP (pancreatic lipase; plus strand). Cytogenetic location: 10q25.3.
Variant type: single nucleotide variant.
Coding change: c.571+1G>T on transcript NM_000936.4 (MANE Select); the canonical splice donor site of the intron after coding-DNA position 571, G replaced by T.
Molecular consequence: splice donor variant.
Genome position (GRCh38, 1-based): chr10:116,553,839, G>T. VCF-style: chr10-116553839-G-T. GRCh37 (hg19) VCF-style: chr10-118313351-G-T.
Identifiers: ClinVar variation 2109236 (VCV002109236.4), dbSNP rs1847222071, ClinGen allele CA378494491.

ClinVar aggregate classification (germline): Likely pathogenic (1 of 4 stars; one submission).

Allele frequency attached by ClinVar (database versions not stated): TOPMed 0.00001.
gnomAD v4.1: 4 of 1,588,532 alleles (0.00025%); highest among the groups gnomAD compares: Non-Finnish European, 0.00026%; no homozygotes.

Submission:

Labcorp Genetics (formerly Invitae), Labcorp
Classification: Likely pathogenic. Last evaluated: 2024-04-25. Review status: criteria provided, single submitter. Criteria: Invitae Variant Classification Sherloc (09022015). Collection method: clinical testing. Allele origin: germline.
Comment: This sequence change affects a donor splice site in intron 6 of the PNLIP gene. It is expected to disrupt RNA splicing. Variants that disrupt the donor or acceptor splice site typically lead to a loss of protein function (PMID: 16199547), and loss-of-function variants in PNLIP are known to be pathogenic (PMID: 31977950, 35284057). This variant is not present in population databases (gnomAD no frequency). This variant has not been reported in the literature in individuals affected with PNLIP-related conditions. ClinVar contains an entry for this variant (Variation ID: 2109236). Algorithms developed to predict the effect of sequence changes on RNA splicing suggest that this variant may disrupt the consensus splice site. In summary, the currently available evidence indicates that the variant is pathogenic, but additional data are needed to prove that conclusively. Therefore, this variant has been classified as Likely Pathogenic.

Literature cited by the submitters: PubMed 16199547; PubMed 31977950; PubMed 35284057.